The following is an entry in ClinVar:

ClinVar aggregate classification (germline): Likely benign (1 of 4 stars; one submission).

Conditions:
TRPM1-related disorder. Also called: TRPM1-related condition.

gnomAD v4.1: 3 of 1,614,058 alleles (0.00019%); highest among the groups gnomAD compares: Admixed American, 0.0033%; no homozygotes.

Submission:

PreventionGenetics, part of Exact Sciences
Classification: Likely benign for TRPM1-related condition. Last evaluated: 2026-06-24. Review status: criteria provided, single submitter. Criteria: ACMG Guidelines, 2015. Collection method: clinical testing. Allele origin: germline.
Comment: This variant is classified as likely benign based on ACMG/AMP sequence variant interpretation guidelines (Richards et al. 2015 PMID: 25741868, with internal and published modifications).

NM_001252024.2(TRPM1):c.3231C>T (p.Leu1077=)

Genes: TRPM1 (transient receptor potential cation channel subfamily M member 1; minus strand), TRPM1-AS1 (TRPM1 antisense RNA 1; plus strand). Cytogenetic location: 15q13.3.
Variant type: single nucleotide variant.
Coding change: c.3231C>T on transcript NM_001252024.2 (MANE Select); coding-DNA position 3231, C replaced by T.
Protein change: p.Leu1077=; no amino-acid change (leucine 1077 retained).
Molecular consequence: synonymous variant.
Genome position (GRCh38, 1-based): chr15:31,028,394, G>A on the plus strand (C>T on the coding strand, the complement: TRPM1 is on the minus strand). VCF-style: chr15-31028394-G-A. GRCh37 (hg19) VCF-style: chr15-31320597-G-A.
Other names: c.3282C>T, p.Leu1094= (NM_001252020.2); c.3165C>T, p.Leu1055= (NM_002420.6).
Identifiers: ClinVar variation 4986805 (VCV004986805.1).